The following is an entry in ClinVar:

ClinVar aggregate classification (germline): Benign (1 of 4 stars; one submission).

Conditions:
Hypercalcemia, infantile, 1 (HCINF1). Identifiers: Orphanet 300547, MedGen CN031131, MONDO:0020739, OMIM 143880.

Allele frequency attached by ClinVar (database versions not stated): 1000 Genomes Project 30x 0.06246; TOPMed 0.07093; gnomAD exomes 0.03216; 1000 Genomes Project 0.05990; gnomAD 0.07142 and 0.06671.
gnomAD v4.1: 10,156 of 152,480 alleles (6.7%); highest among the groups gnomAD compares: African/African-American, 17%; 705 homozygotes.

Submission:

Illumina Laboratory Services, Illumina
Classification: Benign for Hypercalcemia, infantile, 1. Last evaluated: 2018-01-13. Review status: criteria provided, single submitter. Criteria: ICSL Variant Classification Criteria 13 December 2019. Collection method: clinical testing. Allele origin: germline.
Comment: This variant was observed in the ICSL laboratory as part of a predisposition screen in an ostensibly healthy population. It had not been previously curated by ICSL or reported in the Human Gene Mutation Database (HGMD: prior to June 1st, 2018), and was therefore a candidate for classification through an automated scoring system. Utilizing variant allele frequency, disease prevalence and penetrance estimates, and inheritance mode, an automated score was calculated to assess if this variant is too frequent to cause the disease. Based on the score and internal cut-off values, a variant classified as benign is not then subjected to further curation. The score for this variant resulted in a classification of benign for this disease.

NM_000782.5(CYP24A1):c.*872C>T

Gene: CYP24A1 (cytochrome P450 family 24 subfamily A member 1; minus strand). Cytogenetic location: 20q13.2.
Variant type: single nucleotide variant.
Coding change: c.*872C>T on transcript NM_000782.5 (MANE Select); 872 bases downstream of the stop codon, C replaced by T.
Molecular consequence: 3 prime UTR variant.
Genome position (GRCh38, 1-based): chr20:54,153,900, G>A on the plus strand (C>T on the coding strand, the complement: CYP24A1 is on the minus strand). VCF-style: chr20-54153900-G-A. GRCh37 (hg19) VCF-style: chr20-52770439-G-A.
Other names: c.*872C>T (NM_001128915.2).
Identifiers: ClinVar variation 338794 (VCV000338794.6), dbSNP rs11907350, ClinGen allele CA10649891.
Genomic context (GRCh38, chr20:54,153,900, plus strand): 5'-ATCTCTAACTTTTGCATGCTTTACACTTGTCCCATTTAATAGACAGAAAAATTATGGCAT[G>A]GGAAATCATTTTATAATATTAAAGTCACACTGAATGTTTTTAAGCTGTGACTAAACTTTG-3'